The following is an entry in ClinVar:

ClinVar aggregate classification (germline): Benign (1 of 4 stars; one submission).

Conditions:
Leigh syndrome (NULS). Also called: Leigh's necrotizing encephalopathy; Leigh's disease; Leigh Syndrome (mtDNA deletion); Leigh Disease; Subacute necrotizing encephalopathy; Necrotizing encephalopathy infantile subacute of Leigh. Identifiers: Orphanet 506, MedGen C2931891, MONDO:0009723, OMIM 256000.

Submission:

Wong Mito Lab, Molecular and Human Genetics, Baylor College of Medicine
Classification: Benign for Leigh syndrome. Last evaluated: 2019-10-17. Review status: criteria provided, single submitter. Criteria: Modified ACMG Guidelines (Unpublished). Collection method: clinical testing. Allele origin: germline.
Comment: The NC_012920.1:m.8910C>A (YP_003024031.1:p.Phe128Leu) variant in MTATP6 gene is interpretated to be a Benign variant based on the modified ACMG guidelines (unpublished). This variant meets the following evidence codes: BS1, BS4

NC_012920.1(MT-ATP6):m.8910C>A

Gene: MT-ATP6 (mitochondrially encoded ATP synthase 6; plus strand).
Variant type: single nucleotide variant.
Genome position: chrM-8910-C-A.
Identifiers: ClinVar variation 693021 (VCV000693021.1), dbSNP rs1603221899, ClinGen allele CA414798876.